The following is an entry in ClinVar:

NM_182914.3(SYNE2):c.3247A>G (p.Met1083Val)

Gene: SYNE2 (spectrin repeat containing nuclear envelope protein 2; plus strand). Cytogenetic location: 14q23.2.
Variant type: single nucleotide variant.
Coding change: c.3247A>G on transcript NM_182914.3 (MANE Select); coding-DNA position 3247, A replaced by G.
Protein change: p.Met1083Val; replaces methionine 1083 with valine.
Molecular consequence: missense variant.
Genome position (GRCh38, 1-based): chr14:63,998,222, A>G. VCF-style: chr14-63998222-A-G. GRCh37 (hg19) VCF-style: chr14-64464940-A-G.
Other names: c.3247A>G, p.Met1083Val (NM_015180.6); short protein forms M1083V.
Identifiers: ClinVar variation 1399138 (VCV001399138.6), dbSNP rs1335909602, ClinGen allele CA389989532.
Genomic context (GRCh38, chr14:63,998,222, plus strand): 5'-TTCCAGATAAAAAGTATGTTTAAGATATTTCGTTTACTATTTTGCATATTCCCTTAGGCA[A>G]TGGAACCCACTATGAAGTTTAGCCTGGCATCAGTGTTAAGGCCTCTGCAAGAAGAAAGCA-3'
Protein context (NP_878918.2, residues 1073-1093): SDNQPSTEKA[Met1083Val]EPTMKFSLAS

ClinVar aggregate classification (germline): Uncertain significance (1 of 4 stars; one submission).

Conditions:
Emery-Dreifuss muscular dystrophy 5, autosomal dominant (EDMD5). Also called: EMERY-DREIFUSS MUSCULAR DYSTROPHY 5. Identifiers: Orphanet 261, MedGen C2751805, MONDO:0013072, OMIM 612999.

Allele frequency attached by ClinVar (database versions not stated): gnomAD exomes below 0.00001 and 0.00001; TOPMed 0.00001.

Submission:

Labcorp Genetics (formerly Invitae), Labcorp
Classification: Uncertain significance for Emery-Dreifuss muscular dystrophy 5, autosomal dominant. Last evaluated: 2025-08-16. Review status: criteria provided, single submitter. Criteria: Invitae Variant Classification Sherloc (09022015). Collection method: clinical testing. Allele origin: germline.
Comment: This sequence change replaces methionine, which is neutral and non-polar, with valine, which is neutral and non-polar, at codon 1083 of the SYNE2 protein (p.Met1083Val). This variant is present in population databases (no rsID available, gnomAD 0.003%). This variant has not been reported in the literature in individuals affected with SYNE2-related conditions. ClinVar contains an entry for this variant (Variation ID: 1399138). An algorithm developed to predict the effect of missense changes on protein structure and function outputs the following: PolyPhen-2: "Benign". The valine amino acid residue is found in multiple mammalian species, which suggests that this missense change does not adversely affect protein function. In summary, the available evidence is currently insufficient to determine the role of this variant in disease. Therefore, it has been classified as a Variant of Uncertain Significance.